The following is an entry in ClinVar:

ClinVar aggregate classification (germline): Uncertain significance. Review status: criteria provided, multiple submitters, no conflicts (2 of 4 stars). 2 submissions from 2 submitters: Uncertain significance (2). Last evaluated 2020-03-10.

Conditions:
Rotor syndrome (HBLRR). Also called: HYPERBILIRUBINEMIA, ROTOR TYPE, DIGENIC; HYPERBILIRUBINEMIA, ROTOR TYPE. Identifiers: Orphanet 3111, MedGen C0220991, MONDO:0009379, OMIM 237450.

Allele frequency attached by ClinVar (database versions not stated): ExAC 0.00026; gnomAD exomes 0.00028; 1000 Genomes Project 30x 0.00047; ESP Exome Variant Server 0.00062; gnomAD 0.00031 and 0.00033; 1000 Genomes Project 0.00040; TOPMed 0.00043.
gnomAD v4.1: 780 of 1,610,256 alleles (0.048%); highest among the groups gnomAD compares: Admixed American, 0.07%; 3 homozygotes.

Submissions (2):

ARUP Laboratories, Molecular Genetics and Genomics, ARUP Laboratories
Classification: Uncertain significance for Rotor syndrome. Last evaluated: 2020-03-10. Review status: criteria provided, single submitter. Criteria: ARUP Molecular Germline Variant Investigation Process. Collection method: clinical testing. Allele origin: germline.

Baylor Genetics
Classification: Uncertain significance for Rotor syndrome. Last evaluated: 2018-11-26. Review status: criteria provided, single submitter. Criteria: ACMG Guidelines, 2015. Collection method: clinical testing. Allele origin: maternal. Affected: yes.
Comment: This variant was determined to be of uncertain significance according to ACMG Guidelines, 2015 [PMID:25741868].

NM_019844.4(SLCO1B3):c.1309G>A (p.Gly437Ser)

Genes: SLCO1B3 (solute carrier organic anion transporter family member 1B3; plus strand), SLCO1B3-SLCO1B7 (SLCO1B3-SLCO1B7 readthrough; plus strand). Cytogenetic location: 12p12.2.
Variant type: single nucleotide variant.
Coding change: c.1309G>A on transcript NM_019844.4 (MANE Select); coding-DNA position 1309, G replaced by A.
Protein change: p.Gly437Ser; replaces glycine 437 with serine.
Molecular consequence: missense variant.
Genome position (GRCh38, 1-based): chr12:20,879,609, G>A. VCF-style: chr12-20879609-G-A. GRCh37 (hg19) VCF-style: chr12-21032543-G-A.
Other names: c.1309G>A, p.Gly437Ser (NM_001371097.1); c.1225G>A, p.Gly409Ser (NM_001349920.2); short protein forms G409S, G437S.
Identifiers: ClinVar variation 993882 (VCV000993882.9), dbSNP rs61673910, ClinGen allele CA6475521.